The following is an entry in ClinVar:

ClinVar aggregate classification (germline): Uncertain significance (1 of 4 stars; one submission).

Conditions:
RASopathy. Also called: rasopathies; Noonan spectrum disorder. Identifiers: Orphanet 536391, MedGen C5555857, MONDO:0021060.

gnomAD v4.1: 14 of 1,527,748 alleles (0.00092%); highest among the groups gnomAD compares: East Asian, 0.0025%; no homozygotes.

Submission:

Labcorp Genetics (formerly Invitae), Labcorp
Classification: Uncertain significance for RASopathy. Last evaluated: 2022-11-08. Review status: criteria provided, single submitter. Criteria: Invitae Variant Classification Sherloc (09022015). Collection method: clinical testing. Allele origin: germline.
Comment: In summary, the available evidence is currently insufficient to determine the role of this variant in disease. Therefore, it has been classified as a Variant of Uncertain Significance. Advanced modeling of protein sequence and biophysical properties (such as structural, functional, and spatial information, amino acid conservation, physicochemical variation, residue mobility, and thermodynamic stability) performed at Invitae indicates that this missense variant is not expected to disrupt BRAF protein function. ClinVar contains an entry for this variant (Variation ID: 1388369). This variant has not been reported in the literature in individuals affected with BRAF-related conditions. This variant is not present in population databases (gnomAD no frequency). This sequence change replaces alanine, which is neutral and non-polar, with valine, which is neutral and non-polar, at codon 31 of the BRAF protein (p.Ala31Val).

NM_004333.6(BRAF):c.92C>T (p.Ala31Val)

Gene: BRAF (B-Raf proto-oncogene, serine/threonine kinase; minus strand). Cytogenetic location: 7q34.
Variant type: single nucleotide variant.
Coding change: c.92C>T on transcript NM_004333.6 (MANE Select); coding-DNA position 92, C replaced by T.
Protein change: p.Ala31Val; replaces alanine 31 with valine.
Molecular consequence: missense variant.
Genome position (GRCh38, 1-based): chr7:140,924,612, G>A on the plus strand (C>T on the coding strand, the complement: BRAF is on the minus strand). VCF-style: chr7-140924612-G-A. GRCh37 (hg19) VCF-style: chr7-140624412-G-A.
Other names: c.92C>T, p.Ala31Val (NM_001354609.2, NM_001374244.1, NM_001374258.1 and 7 more transcripts); short protein forms A31V.
Identifiers: ClinVar variation 1388369 (VCV001388369.8), dbSNP rs397516906, ClinGen allele CA168218528.